The following is an entry in ClinVar:

NM_025114.4(CEP290):c.6869del (p.Asn2290fs)

Gene: CEP290 (centrosomal protein 290; minus strand). Cytogenetic location: 12q21.32.
Variant type: Deletion.
Coding change: c.6869del on transcript NM_025114.4 (MANE Select); coding-DNA position 6869, one base deleted (A; older notation c.6869delA).
Protein change: p.Asn2290fs; shifts the reading frame from asparagine 2290.
Molecular consequence: frameshift variant.
Genome position (GRCh38, 1-based): chr12:88,055,667, T deleted on the plus strand (A on the coding strand, the reverse complement: CEP290 is on the minus strand); the first of 8 consecutive T bases (chr12:88,055,667-88,055,674); deleting any one gives the same sequence. VCF-style (leftmost placement, unchanged base first): chr12-88055666-AT-A. GRCh37 (hg19) VCF-style: chr12-88449443-AT-A.
Other names: c.6869delA (NM_025114.3); short protein forms N2290fs.
Identifiers: ClinVar variation 654872 (VCV000654872.17), dbSNP rs587783017, ClinGen allele CA6711412.

ClinVar aggregate classification (germline): Pathogenic. Review status: criteria provided, multiple submitters, no conflicts (2 of 4 stars). 8 submissions from 8 submitters: Pathogenic (8). Last evaluated 2025-03-21.

Conditions:
CEP290-related ciliopathy. Also called: CEP290 ciliopathy. Identifiers: MedGen CN305601, MONDO:0100451.
CEP290-related disorder. Also called: CEP290-related condition; CEP290-related disorders. Identifiers: MedGen CN239314.
Joubert syndrome 5 (JBTS5). Identifiers: Orphanet 2318, MedGen C1857780, MONDO:0012432, OMIM 610188.
Bardet-Biedl syndrome 14 (BBS14). Identifiers: Orphanet 110, MedGen C2673874, MONDO:0014442, OMIM 615991.
Meckel syndrome, type 4 (MKS4). Also called: MECKEL-GRUBER SYNDROME, TYPE 4. Identifiers: Orphanet 564, MedGen C1970161, MONDO:0012626, OMIM 611134.
Senior-Loken syndrome 6 (SLSN6). Identifiers: Orphanet 3156, MedGen C1857779, MONDO:0012433, OMIM 610189.
Leber congenital amaurosis 10 (LCA10). Identifiers: Orphanet 65, MedGen C1857821, MONDO:0012723, OMIM 611755.
Joubert syndrome. Also called: JOUBERT-BOLTSHAUSER SYNDROME; Familial aplasia of the vermis. Identifiers: Orphanet 475, MedGen C5979921, MONDO:0018772.
Nephronophthisis. Also called: Juvenile Nephronophthisis. Identifiers: Orphanet 655, MedGen C0687120, MONDO:0019005, HP:0000090.
Meckel-Gruber syndrome. Also called: DYSENCEPHALIA SPLANCHNOCYSTICA; GRUBER SYNDROME; Dysencephalia splachnocystica. Identifiers: Orphanet 564, MedGen C0265215, MONDO:0018921.
Leber congenital amaurosis (LCA). Also called: Leber's amaurosis. Identifiers: Orphanet 65, MedGen C0339527, MeSH D057130, MONDO:0018998.

Submissions (8):

Natera, Inc.
Classification: Pathogenic for Leber congenital amaurosis. Last evaluated: 2025-03-21. Review status: criteria provided, single submitter. Criteria: Natera Variant Classification Schema (03/2026). Collection method: clinical testing. Allele origin: germline.
Comment: The c.6869delA variant in CEP290 is a frameshift variant predicted to shift the reading frame beginning at codon 2290 and leads to a stop codon 11 codons downstream. This variant is expected to result in nonsense mediated decay, truncation, or a dysfunctional protein product. This variant is rare in the general population with a frequency below the threshold expected for the associated phenotype(s). This variant has been observed in one or more individuals affected with the associated recessive disease, as either homozygous or compound heterozygous with a second variant (PMID: 17409309). Given the available evidence, this variant is classified as Pathogenic.

Labcorp Genetics (formerly Invitae), Labcorp
Classification: Pathogenic for Joubert syndrome; Meckel-Gruber syndrome; Nephronophthisis. Last evaluated: 2025-03-01. Review status: criteria provided, single submitter. Criteria: Invitae Variant Classification Sherloc (09022015). Collection method: clinical testing. Allele origin: germline.
Comment: This sequence change creates a premature translational stop signal (p.Asn2290Ilefs*11) in the CEP290 gene. It is expected to result in an absent or disrupted protein product. Loss-of-function variants in CEP290 are known to be pathogenic (PMID: 16909394, 17345604, 20690115). The frequency data for this variant in the population databases is considered unreliable, as metrics indicate poor data quality at this position in the gnomAD database. This premature translational stop signal has been observed in individual(s) with Joubert syndrome or nephronopthisis (PMID: 17409309). This variant is also known as NPHP6. ClinVar contains an entry for this variant (Variation ID: 654872). For these reasons, this variant has been classified as Pathogenic.

Myriad Genetics, Inc.
Classification: Pathogenic for CEP290-related ciliopathy. Last evaluated: 2025-02-12. Review status: criteria provided, single submitter. Criteria: Myriad Autosomal Dominant, Autosomal Recessive and X-Linked Classification Criteria (2023). Collection method: clinical testing. Allele origin: unknown.
Comment: NM_025114.3(CEP290):c.6869delA(N2290Ifs*11) is a frameshift variant classified as pathogenic in the context of CEP290-related disorders. N2290Ifs*11 has been observed in cases with relevant disease (PMID: 17409309). Relevant functional assessments of this variant are not available in the literature. N2290Ifs*11 has been observed in referenced population frequency databases. In summary, NM_025114.3(CEP290):c.6869delA(N2290Ifs*11) is a frameshift variant in a gene where loss of function is a known mechanism of disease, is predicted to disrupt protein function, and has been observed more frequently in cases with the relevant disease than in healthy populations. Please note: this variant was assessed in the context of healthy population screening.

Fulgent Genetics
Classification: Pathogenic for Joubert syndrome 5; Senior-Loken syndrome 6; Meckel syndrome, type 4; Leber congenital amaurosis 10; Bardet-Biedl syndrome 14. Last evaluated: 2024-03-11. Review status: criteria provided, single submitter. Criteria: ACMG Guidelines, 2015. Collection method: clinical testing. Allele origin: germline.

Baylor Genetics
Classification: Pathogenic for Bardet-Biedl syndrome 14. Last evaluated: 2023-09-18. Review status: criteria provided, single submitter. Criteria: ACMG Guidelines, 2015. Collection method: clinical testing. Allele origin: unknown.

Blueprint Genetics
Classification: Pathogenic for CEP290-related disorders. Last evaluated: 2021-04-27. Review status: criteria provided, single submitter. Criteria: ACMG Guidelines, 2015. Collection method: clinical testing. Allele origin: germline. Affected: yes. Observed: 2 variant alleles.

Molecular Biology Laboratory, Fundació Puigvert
Classification: Pathogenic for Joubert syndrome 5. Last evaluated: 2020-02-01. Review status: criteria provided, single submitter. Criteria: ACMG Guidelines, 2015. Collection method: research. Allele origin: paternal. Affected: yes. Study: KidneyPanel_2020.

Rady Children's Institute for Genomic Medicine, Rady Children's Hospital San Diego
Classification: Pathogenic for CEP290-related disorders. Review status: criteria provided, single submitter. Criteria: ACMG Guidelines, 2015. Collection method: clinical testing. Allele origin: germline.
Comment: This frameshifting variant in exon 50 of 54 is predicted to result in loss of normal protein function through either protein truncation or nonsense-mediated mRNA decay. Loss-of-function variation in CEP290 is an established mechanism of disease (PMID: 32600475, 20301500, 16909394, 20690115). This variant has been previously reported as a compound heterozygous change in patients with early-onset chronic kidney disease and cerebello-oculo-renal syndrome (also known as Joubert syndrome) (PMID: 29801666, 33532864, 20690115). The c.6869del (p.Asn2290IlefsTer11) variant is present in the heterozygous state in the gnomAD population database at a frequency of 0.02% (35/161872), and is absent in the homozygous state, thus is presumed to be rare. Based on the available evidence, c.6869del (p.Asn2290IlefsTer11) is classified as Pathogenic.

Literature cited by the submitters: PubMed 17409309 (cited by 3 submitters); PubMed 16909394 (cited by Labcorp Genetics (formerly Invitae), Labcorp); PubMed 17345604 (cited by Labcorp Genetics (formerly Invitae), Labcorp); PubMed 20690115 (cited by Labcorp Genetics (formerly Invitae), Labcorp); PubMed 33532864 (cited by Molecular Biology Laboratory, Fundació Puigvert).